The following is an entry in ClinVar:

ClinVar aggregate classification (germline): Pathogenic (1 of 4 stars; one submission).

Submission:

Labcorp Genetics (formerly Invitae), Labcorp
Classification: Pathogenic. Last evaluated: 2024-01-02. Review status: criteria provided, single submitter. Criteria: Invitae Variant Classification Sherloc (09022015). Collection method: clinical testing. Allele origin: germline.
Comment: This sequence change creates a premature translational stop signal (p.Asp266Thrfs*17) in the TRAF3IP1 gene. It is expected to result in an absent or disrupted protein product. Loss-of-function variants in TRAF3IP1 are known to be pathogenic (PMID: 21945076, 26487268, 29068549). This variant is not present in population databases (gnomAD no frequency). This variant has not been reported in the literature in individuals affected with TRAF3IP1-related conditions. ClinVar contains an entry for this variant (Variation ID: 1399586). For these reasons, this variant has been classified as Pathogenic.

Literature cited by the submitters: PubMed 21945076; PubMed 26487268; PubMed 29068549.

NM_015650.4(TRAF3IP1):c.796del (p.Asp266fs)

Gene: TRAF3IP1 (TRAF3 interacting protein 1; plus strand). Cytogenetic location: 2q37.3.
Variant type: Deletion.
Coding change: c.796del on transcript NM_015650.4 (MANE Select); coding-DNA position 796, one base deleted (G; older notation c.796delG).
Protein change: p.Asp266fs; shifts the reading frame from aspartic acid 266.
Molecular consequence: frameshift variant.
Genome position (GRCh38, 1-based): chr2:238,329,223, G deleted; the last of 3 consecutive G bases (chr2:238,329,221-238,329,223); deleting any one gives the same sequence. VCF-style (leftmost placement, unchanged base first): chr2-238329220-AG-A. GRCh37 (hg19) VCF-style: chr2-239237861-AG-A.
Other names: c.796del, p.Asp266fs (NM_001139490.1); short protein forms D266fs.
Identifiers: ClinVar variation 1399586 (VCV001399586.6), dbSNP rs2106364423, ClinGen allele CA2573135634.
Genomic context (GRCh38, chr2:238,329,220, plus strand): 5'-CGCAAGAAGGAGACAGAGAGAAAGAGTGAGGGGGGGAAAGAGAAGGAGAGACTGAGAGAC[AG>A]GGACCGAGAGCGCGACCGGGACAAAGGGAAGGACAGGGACAGACGGAGAGTGAAAAACGG-3'